The following is an entry in ClinVar:

NM_006329.4(FBLN5):c.609G>T (p.Arg203Ser)

Gene: FBLN5 (fibulin 5; minus strand). Cytogenetic location: 14q32.12.
Variant type: single nucleotide variant.
Coding change: c.609G>T on transcript NM_006329.4 (MANE Select); coding-DNA position 609, G replaced by T.
Protein change: p.Arg203Ser; replaces arginine 203 with serine.
Molecular consequence: missense variant.
Genome position (GRCh38, 1-based): chr14:91,891,231, C>A on the plus strand (G>T on the coding strand, the complement: FBLN5 is on the minus strand). VCF-style: chr14-91891231-C-A. GRCh37 (hg19) VCF-style: chr14-92357575-C-A.
Other names: c.441G>T, p.Arg147Ser (NM_001384162.1, NM_001384161.1); c.732G>T, p.Arg244Ser (NM_001384158.1); c.660G>T, p.Arg220Ser (NM_001384159.1); c.609G>T, p.Arg203Ser (NM_001384160.1); short protein forms R147S, R244S, R220S, R203S.
Identifiers: ClinVar variation 4750752 (VCV004750752.6).
Genomic context (GRCh38, chr14:91,891,231, plus strand): 5'-CTGCAGCTAGTGTCTCACATCATGTCCAAGTTATCATGCACGTCACATACCTTGGCAAGA[C>A]CTTCCATCCTCATTGAGGGTAAAACCAGGGTTGCATGTACAAGAATAGGATCCAGGAACA-3'
Protein context (NP_006320.2, residues 193-213): NPGFTLNEDG[Arg203Ser]SCQDVNECAT

ClinVar aggregate classification (germline): Uncertain significance. Review status: criteria provided, multiple submitters, no conflicts (2 of 4 stars). 3 submissions from 3 submitters: Uncertain significance (3). Last evaluated 2026-07-14.

Conditions:
Inborn genetic diseases. Identifiers: MedGen C0950123, MeSH D030342.

gnomAD v4.1: 1 of 1,600,270 alleles (0.000062%); highest among the groups gnomAD compares: Non-Finnish European, 0.000086%; no homozygotes.

Submissions (3):

Ambry Genetics
Classification: Uncertain significance for Inborn genetic diseases. Last evaluated: 2026-07-14. Review status: criteria provided, single submitter. Criteria: Ambry Variant Classification Scheme 2023. Collection method: clinical testing. Allele origin: germline.

CeGaT Center for Human Genetics Tuebingen
Classification: Uncertain significance. Last evaluated: 2026-01-01. Review status: criteria provided, single submitter. Criteria: CeGaT Center For Human Genetics Tuebingen Variant Classification Criteria Version 2. Collection method: clinical testing. Allele origin: germline. Affected: yes. Observed: 1 variant allele.
Comment: FBLN5: PM2

Labcorp Genetics (formerly Invitae), Labcorp
Classification: Uncertain significance. Last evaluated: 2025-07-13. Review status: criteria provided, single submitter. Criteria: Invitae Variant Classification Sherloc (09022015). Collection method: clinical testing. Allele origin: germline.
Comment: This sequence change replaces arginine, which is basic and polar, with serine, which is neutral and polar, at codon 203 of the FBLN5 protein (p.Arg203Ser). This variant is not present in population databases (gnomAD no frequency). This variant has not been reported in the literature in individuals affected with FBLN5-related conditions. Invitae Evidence Modeling of protein sequence and biophysical properties (such as structural, functional, and spatial information, amino acid conservation, physicochemical variation, residue mobility, and thermodynamic stability) indicates that this missense variant is not expected to disrupt FBLN5 protein function with a negative predictive value of 80%. In summary, the available evidence is currently insufficient to determine the role of this variant in disease. Therefore, it has been classified as a Variant of Uncertain Significance.